The following is an entry in ClinVar:

NM_000088.4(COL1A1):c.2132_2205delinsCCTG (p.Asp711fs)

Gene: COL1A1 (collagen type I alpha 1 chain; minus strand). Cytogenetic location: 17q21.33.
Variant type: Indel.
Coding change: c.2132_2205delinsCCTG on transcript NM_000088.4 (MANE Select); coding-DNA positions 2132 to 2205, the reference bases replaced by CCTG.
Protein change: p.Asp711fs; shifts the reading frame from aspartic acid 711.
Molecular consequence: frameshift variant.
Genome position (GRCh38, 1-based): chr17:50,191,413-50,191,486, 74 bases replaced. GRCh37 (hg19): chr17:48,268,774-48,268,847.
Other names: short protein forms D711fs.
Identifiers: ClinVar variation 3726075 (VCV003726075.2).

ClinVar aggregate classification (germline): Pathogenic (1 of 4 stars; one submission).

Conditions:
Osteogenesis imperfecta type I (OI1). Also called: Lobstein's Disease; Lobstein disease; Classic Non-deforming Osteogenesis Imperfecta with Blue Sclerae; OI, TYPE I; OSTEOGENESIS IMPERFECTA TARDA; OSTEOGENESIS IMPERFECTA WITH BLUE SCLERAE. Identifiers: Orphanet 216796, Orphanet 666, MedGen C0023931, MONDO:0008146, OMIM 166200. Disease mechanism: loss of function.

Submission:

Labcorp Genetics (formerly Invitae), Labcorp
Classification: Pathogenic for Osteogenesis imperfecta type I. Last evaluated: 2024-11-25. Review status: criteria provided, single submitter. Criteria: Invitae Variant Classification Sherloc (09022015). Collection method: clinical testing. Allele origin: germline.
Comment: This sequence change creates a premature translational stop signal (p.Asp711Alafs*32) in the COL1A1 gene. It is expected to result in an absent or disrupted protein product. Loss-of-function variants in COL1A1 are known to be pathogenic (PMID: 7942841, 9295084, 9443882). This variant is not present in population databases (gnomAD no frequency). This variant has not been reported in the literature in individuals affected with COL1A1-related conditions. For these reasons, this variant has been classified as Pathogenic.

Literature cited by the submitters: PubMed 7942841; PubMed 9295084; PubMed 9443882.